The following is an entry in ClinVar:

ClinVar aggregate classification (germline): Likely pathogenic (1 of 4 stars; one submission).

Conditions:
Autosomal recessive nonsyndromic hearing loss 77. Identifiers: Orphanet 90636, MedGen C2746083, MONDO:0013119, OMIM 613079.

Submission:

Myriad Genetics, Inc.
Classification: Likely pathogenic for Autosomal recessive nonsyndromic hearing loss 77. Last evaluated: 2022-03-20. Review status: criteria provided, single submitter. Criteria: Myriad Women's Health Autosomal Recessive and X-Linked Classification Criteria (2021). Collection method: clinical testing. Allele origin: unknown.
Comment: NM_144612.6(LOXHD1):c.464G>A(W155*) is expected to be pathogenic in the context of LOXHD1-related DFNB77 hearing loss and deafness. This variant is predicted to lead to an abnormal or absent protein product due to the creation of a premature termination codon in LOXHD1, a gene where loss-of-function variants are known to be pathogenic. Please note: this variant was assessed in the context of healthy population screening.

NM_001384474.1(LOXHD1):c.464G>A (p.Trp155Ter)

Gene: LOXHD1 (lipoxygenase homology PLAT domains 1; minus strand). Cytogenetic location: 18q21.1.
Variant type: single nucleotide variant.
Coding change: c.464G>A on transcript NM_001384474.1 (MANE Select); coding-DNA position 464, G replaced by A.
Protein change: p.Trp155Ter; replaces tryptophan 155 with a stop codon.
Molecular consequence: nonsense.
Genome position (GRCh38, 1-based): chr18:46,639,663, C>T on the plus strand (G>A on the coding strand, the complement: LOXHD1 is on the minus strand). VCF-style: chr18-46639663-C-T. GRCh37 (hg19) VCF-style: chr18-44219626-C-T.
Other names: c.464G>A, p.Trp155Ter (NM_144612.7); short protein forms W155*.
Identifiers: ClinVar variation 1725409 (VCV001725409.2), dbSNP rs2511996859, ClinGen allele CA402369673.
Genomic context (GRCh38, chr18:46,639,663, plus strand): 5'-CCTAGGCACTGACCTCTGGGCATGTCCATGGGGTTGAAGCTGGCCAGCAGGTCACGGCAC[C>T]ACTGGCGGTCACCTTCCACCTTGCTCAGCCAGTTGTTGCAGTTGAAGTAGTAACGGAGAT-3'